The following is an entry in ClinVar:

ClinVar aggregate classification (germline): Benign/Likely benign. Review status: criteria provided, multiple submitters, no conflicts (2 of 4 stars). 4 submissions from 4 submitters: Benign (1); Likely benign (2). 1 of the submissions does not count toward it. Last evaluated 2026-02-01.

Allele frequency attached by ClinVar (database versions not stated): gnomAD exomes 0.00025 and 0.00063; ExAC 0.00089; ESP Exome Variant Server 0.00314; gnomAD 0.00327 and 0.00349; TOPMed 0.00352; 1000 Genomes Project 30x 0.00359; 1000 Genomes Project 0.00419.
gnomAD v4.1: 895 of 1,610,494 alleles (0.056%); highest among the groups gnomAD compares: African/African-American, 1.1%; 5 homozygotes.

Submissions (4):

CeGaT Center for Human Genetics Tuebingen
Classification: Likely benign. Last evaluated: 2026-02-01. Review status: criteria provided, single submitter. Criteria: CeGaT Center For Human Genetics Tuebingen Variant Classification Criteria Version 2. Collection method: clinical testing. Allele origin: germline. Affected: yes. Observed: 3 variant alleles.
Comment: KNL1: BP4, BP7, BS1

GeneDx
Classification: Likely benign. Last evaluated: 2021-05-13. Review status: criteria provided, single submitter. Criteria: GeneDx Variant Classification Process June 2021. Collection method: clinical testing. Allele origin: germline. Affected: yes.

Labcorp Genetics (formerly Invitae), Labcorp
Classification: Benign. Last evaluated: 2019-12-31. Review status: criteria provided, single submitter. Criteria: Invitae Variant Classification Sherloc (09022015). Collection method: clinical testing. Allele origin: germline.

Genetic Services Laboratory, University of Chicago
Classification: Likely benign for AllHighlyPenetrant. Review status: no assertion criteria provided. Collection method: clinical testing. Allele origin: germline. Inheritance: Autosomal recessive inheritance. Not counted in ClinVar's aggregate classification.
Comment: Likely benign based on allele frequency in 1000 Genomes Project or ESP global frequency and its presence in a patient with a rare or unrelated disease phenotype. NOT Sanger confirmed.

NM_144508.5(KNL1):c.1299T>C (p.Cys433=)

Gene: KNL1 (kinetochore scaffold 1; plus strand). Cytogenetic location: 15q15.1.
Variant type: single nucleotide variant.
Coding change: c.1299T>C on transcript NM_144508.5 (MANE Select); coding-DNA position 1299, T replaced by C.
Protein change: p.Cys433=; no amino-acid change (cysteine 433 retained).
Molecular consequence: synonymous variant.
Genome position (GRCh38, 1-based): chr15:40,621,563, T>C. VCF-style: chr15-40621563-T-C. GRCh37 (hg19) VCF-style: chr15-40913761-T-C.
Other names: c.1377T>C, p.Cys459= (NM_170589.5).
Identifiers: ClinVar variation 128587 (VCV000128587.36), dbSNP rs35235972, ClinGen allele CA152158.